The following is an entry in ClinVar:

NM_005431.2(XRCC2):c.563_565delinsACA (p.Arg188_Leu189delinsHisMet)

Gene: XRCC2 (X-ray repair cross complementing 2; minus strand). Cytogenetic location: 7q36.1.
Variant type: Indel.
Coding change: c.563_565delinsACA on transcript NM_005431.2 (MANE Select); coding-DNA positions 563 to 565, GCC replaced by ACA.
Protein change: p.Arg188_Leu189delinsHisMet.
Molecular consequence: missense variant.
Genome position (GRCh38, 1-based): chr7:152,648,920-152,648,922, GGC replaced by TGT on the plus strand (GCC replaced by ACA on the coding strand, the reverse complement: XRCC2 is on the minus strand). VCF-style: chr7-152648920-GGC-TGT. GRCh37 (hg19) VCF-style: chr7-152346005-GGC-TGT.
Identifiers: ClinVar variation 1748756 (VCV001748756.2), dbSNP rs2485880988, ClinGen allele CA2580077741.

ClinVar aggregate classification (germline): Uncertain significance (1 of 4 stars; one submission).

Conditions:
Hereditary cancer-predisposing syndrome. Also called: Hereditary Cancer Syndrome; Hereditary neoplastic syndrome; Neoplastic Syndromes, Hereditary; Tumor predisposition. Identifiers: Orphanet 140162, MedGen C0027672, MeSH D009386, MONDO:0015356.

Submission:

Ambry Genetics
Classification: Uncertain significance for Hereditary cancer-predisposing syndrome. Last evaluated: 2022-06-14. Review status: criteria provided, single submitter. Criteria: Ambry Variant Classification Scheme 2023. Collection method: clinical testing. Allele origin: germline.
Comment: The c.563_565delGCCinsACA variant (also known as p.R188_L189delinsHM), located in coding exon 3 of the XRCC2 gene, results from an in-frame deletion of GCC and insertion of ACA at nucleotide positions 563 to 565. This results in the substitution of histidine and methionine residues for a arginine and leucine residues at codon 188 and 189. This amino acid position is not well conserved in available vertebrate species. In addition, this alteration is predicted to be neutral by in silico analysis (Choi Y et al. PLoS ONE. 2012; 7(10):e46688).. Since supporting evidence is limited at this time, the clinical significance of this alteration remains unclear.